The following is an entry in ClinVar:

NM_000038.6(APC):c.4883del (p.Lys1628fs)

Gene: APC (APC regulator of Wnt signaling pathway; plus strand). Cytogenetic location: 5q22.2.
Variant type: Deletion.
Coding change: c.4883del on transcript NM_000038.6 (MANE Select); coding-DNA position 4883, one base deleted (A; older notation c.4883delA).
Protein change: p.Lys1628fs; shifts the reading frame from lysine 1628.
Molecular consequence: frameshift variant. On other transcripts: non-coding transcript variant (2).
Genome position (GRCh38, 1-based): chr5:112,840,477, A deleted; the last of 4 consecutive A bases (chr5:112,840,474-112,840,477); deleting any one gives the same sequence. VCF-style (leftmost placement, unchanged base first): chr5-112840473-CA-C. GRCh37 (hg19) VCF-style: chr5-112176170-CA-C.
Other names: c.4883del, p.Lys1628fs (NM_001127510.3, NM_001354895.2, NM_001407450.1); c.4829del, p.Lys1610fs (NM_001127511.3); c.4937del, p.Lys1646fs (NM_001354896.2, NM_001407447.1, NM_001407448.1 and 1 more transcripts); c.4913del, p.Lys1638fs (NM_001354897.2); c.4808del, p.Lys1603fs (NM_001354898.2); c.4799del, p.Lys1600fs (NM_001354899.2); c.4760del, p.Lys1587fs (NM_001354900.2); c.4706del, p.Lys1569fs (NM_001354901.2, NM_001407453.1); and 11 more; short protein forms K1244fs, K1345fs, K1468fs, K1499fs, K1502fs, K1527fs, K1537fs, K1545fs.
Identifiers: ClinVar variation 4756597 (VCV004756597.1).

ClinVar aggregate classification (germline): Pathogenic (1 of 4 stars; one submission).

Conditions:
Hereditary cancer-predisposing syndrome. Also called: Tumor predisposition; Hereditary Cancer Syndrome; Neoplastic Syndromes, Hereditary; Hereditary neoplastic syndrome. Identifiers: Orphanet 140162, MedGen C0027672, MeSH D009386, MONDO:0015356.

Submission:

Color Diagnostics, LLC DBA Color Health
Classification: Pathogenic for Hereditary cancer-predisposing syndrome. Last evaluated: 2025-06-24. Review status: criteria provided, single submitter. Criteria: ACMG Guidelines, 2015. Collection method: clinical testing. Allele origin: germline.
Comment: This variant deletes 1 nucleotide in exon 16 of the APC gene, creating a frameshift and premature translation stop signal. This variant is expected to result in an absent or non-functional protein product. This variant has been reported in an individual affected with familial adenomatous polyposis (FAP) in the literature (PMID: 20223039). This variant has not been identified in the general population by the Genome Aggregation Database (gnomAD). Loss of APC function is a known mechanism of disease. Based on the available evidence, this variant is classified as Pathogenic.

Literature cited by the submitters: PubMed 20223039.